The following is an entry in ClinVar:

ClinVar aggregate classification (germline): Uncertain significance. Review status: criteria provided, multiple submitters, no conflicts (2 of 4 stars). 2 submissions from 2 submitters: Uncertain significance (2). Last evaluated 2024-04-28.

Submissions (2):

GeneDx
Classification: Uncertain significance. Last evaluated: 2024-04-28. Review status: criteria provided, single submitter. Criteria: GeneDx Variant Classification Process June 2021. Collection method: clinical testing. Allele origin: germline. Affected: yes.
Comment: Not observed at significant frequency in large population cohorts (gnomAD); In silico analysis indicates that this missense variant does not alter protein structure/function; Has not been previously published as pathogenic or benign to our knowledge.

Blueprint Genetics
Classification: Uncertain significance. Last evaluated: 2022-06-09. Review status: criteria provided, single submitter. Criteria: ACMG Guidelines, 2015. Collection method: clinical testing. Allele origin: germline.

NM_004523.4(KIF11):c.1633A>G (p.Met545Val)

Gene: KIF11 (kinesin family member 11; plus strand). Cytogenetic location: 10q23.33.
Variant type: single nucleotide variant.
Coding change: c.1633A>G on transcript NM_004523.4 (MANE Select); coding-DNA position 1633, A replaced by G.
Protein change: p.Met545Val; replaces methionine 545 with valine.
Molecular consequence: missense variant.
Genome position (GRCh38, 1-based): chr10:92,632,624, A>G. VCF-style: chr10-92632624-A-G. GRCh37 (hg19) VCF-style: chr10-94392381-A-G.
Other names: short protein forms M545V.
Identifiers: ClinVar variation 3373054 (VCV003373054.2).